The following is an entry in ClinVar:

ClinVar aggregate classification (germline): Likely benign (1 of 4 stars; one submission).

Conditions:
MELAS syndrome (MELAS). Also called: Juvenile myopathy, encephalopathy, lactic acidosis, stroke. Identifiers: Orphanet 550, MedGen C0162671, MONDO:0010789, OMIM 540000.

Submission:

Wong Mito Lab, Molecular and Human Genetics, Baylor College of Medicine
Classification: Likely benign for MELAS syndrome. Last evaluated: 2019-07-12. Review status: criteria provided, single submitter. Criteria: Modified ACMG Guidelines (Unpublished). Collection method: clinical testing. Allele origin: germline.
Comment: The NC_012920.1:m.5867C>T variant in MT-TY gene is interpreted to be a Likely Benign variant based on the modified ACMG guidelines (unpublished). This variant meets the following evidence codes reported in the guidelines: BP4, BP6

Literature cited by the submitters: PubMed 31965079.

NC_012920.1(MT-TY):m.5867C>T

Gene: MT-TY (mitochondrially encoded tRNA tyrosine; minus strand).
Variant type: single nucleotide variant.
Genome position: chrM-5867-C-T.
Identifiers: ClinVar variation 690021 (VCV000690021.1), dbSNP rs1603220160, ClinGen allele CA913180714.
Genomic context (GRCh38, chrMT:5,867, plus strand): 5'-ATGAAAATCACCTCGGAGCTGGTAAAAAGAGGCCTAACCCCTGTCTTTAGATTTACAGTC[C>T]AATGCTTCACTCAGCCATTTTACCTCACCCCCACTGATGTTCGCCGACCGTTGACTATTC-3'